The following is an entry in ClinVar:

NM_014874.4(MFN2):c.1496-3C>T

Gene: MFN2 (mitofusin 2; plus strand). Cytogenetic location: 1p36.22.
Variant type: single nucleotide variant.
Coding change: c.1496-3C>T on transcript NM_014874.4 (MANE Select); 3 bases into the intron before coding-DNA position 1496, C replaced by T.
Molecular consequence: intron variant.
Genome position (GRCh38, 1-based): chr1:12,005,708, C>T. VCF-style: chr1-12005708-C-T. GRCh37 (hg19) VCF-style: chr1-12065765-C-T.
Other names: c.1496-3C>T (NM_001127660.2).
Identifiers: ClinVar variation 3650431 (VCV003650431.2).

ClinVar aggregate classification (germline): Uncertain significance (1 of 4 stars; one submission).

Conditions:
Charcot-Marie-Tooth disease type 2. Also called: Charcot-Marie-Tooth type 2. Identifiers: Orphanet 64746, MedGen C0270914, MONDO:0018993.

Submission:

Labcorp Genetics (formerly Invitae), Labcorp
Classification: Uncertain significance for Charcot-Marie-Tooth disease type 2. Last evaluated: 2024-05-21. Review status: criteria provided, single submitter. Criteria: Invitae Variant Classification Sherloc (09022015). Collection method: clinical testing. Allele origin: germline.
Comment: This sequence change falls in intron 14 of the MFN2 gene. It does not directly change the encoded amino acid sequence of the MFN2 protein. It affects a nucleotide within the consensus splice site. This variant is present in population databases (no rsID available, gnomAD 0.006%). This variant has not been reported in the literature in individuals affected with MFN2-related conditions. Variants that disrupt the consensus splice site are a relatively common cause of aberrant splicing (PMID: 17576681, 9536098). Algorithms developed to predict the effect of sequence changes on RNA splicing suggest that this variant is not likely to affect RNA splicing. In summary, the available evidence is currently insufficient to determine the role of this variant in disease. Therefore, it has been classified as a Variant of Uncertain Significance.

Literature cited by the submitters: PubMed 17576681; PubMed 9536098.